The following is an entry in ClinVar:

NM_152564.5(VPS13B):c.3385A>G (p.Lys1129Glu)

Gene: VPS13B (vacuolar protein sorting 13 homolog B; plus strand). Cytogenetic location: 8q22.2.
Variant type: single nucleotide variant.
Coding change: c.3385A>G on transcript NM_152564.5 (MANE Select); coding-DNA position 3385, A replaced by G.
Protein change: p.Lys1129Glu; replaces lysine 1129 with glutamic acid.
Molecular consequence: missense variant.
Genome position (GRCh38, 1-based): chr8:99,442,575, A>G. VCF-style: chr8-99442575-A-G. GRCh37 (hg19) VCF-style: chr8-100454803-A-G.
Other names: c.3385A>G, p.Lys1129Glu (NM_017890.5); c.3385A>G (NM_152564.4); short protein forms K1129E.
Identifiers: ClinVar variation 1440821 (VCV001440821.4), dbSNP rs371315874, ClinGen allele CA4823237.

ClinVar aggregate classification (germline): Uncertain significance. Review status: criteria provided, multiple submitters, no conflicts (2 of 4 stars). 2 submissions from 2 submitters: Uncertain significance (2). Last evaluated 2026-01-20.

Conditions:
Cohen syndrome (COH1). Also called: PEPPER SYNDROME; Cutis verticis gyrata, retinitis pigmentosa, and sensorineural deafness. Identifiers: Orphanet 193, MedGen C0265223, MONDO:0008999, OMIM 216550.
VPS13B-related disorder. Also called: VPS13B-related condition.

Allele frequency attached by ClinVar (database versions not stated): gnomAD exomes below 0.00001; ExAC 0.00001; gnomAD 0.00001 and 0.00002; TOPMed 0.00002; ESP Exome Variant Server 0.00008.
gnomAD v4.1: 2 of 1,613,890 alleles (0.00012%); highest among the groups gnomAD compares: African/African-American, 0.0027%; no homozygotes.

Submissions (2):

PreventionGenetics, part of Exact Sciences
Classification: Uncertain significance for VPS13B-related condition. Last evaluated: 2026-01-20. Review status: criteria provided, single submitter. Criteria: ACMG Guidelines, 2015. Collection method: clinical testing. Allele origin: germline.
Comment: The VPS13B c.3385A>G variant is predicted to result in the amino acid substitution p.Lys1129Glu. To our knowledge, this variant has not been reported in the literature. This variant is reported in 0.0062% of alleles in individuals of African descent in gnomAD. At this time, the clinical significance of this variant is uncertain due to the absence of conclusive functional and genetic evidence.

Labcorp Genetics (formerly Invitae), Labcorp
Classification: Uncertain significance for Cohen syndrome. Last evaluated: 2022-07-18. Review status: criteria provided, single submitter. Criteria: Invitae Variant Classification Sherloc (09022015). Collection method: clinical testing. Allele origin: germline.
Comment: This sequence change replaces lysine, which is basic and polar, with glutamic acid, which is acidic and polar, at codon 1129 of the VPS13B protein (p.Lys1129Glu). This variant is present in population databases (rs371315874, gnomAD 0.007%). This variant has not been reported in the literature in individuals affected with VPS13B-related conditions. ClinVar contains an entry for this variant (Variation ID: 1440821). Algorithms developed to predict the effect of missense changes on protein structure and function are either unavailable or do not agree on the potential impact of this missense change (SIFT: "Not Available"; PolyPhen-2: "Benign"; Align-GVGD: "Not Available"). In summary, the available evidence is currently insufficient to determine the role of this variant in disease. Therefore, it has been classified as a Variant of Uncertain Significance.